The following is an entry in ClinVar:

NM_152383.5(DIS3L2):c.305G>A (p.Arg102His)

Gene: DIS3L2 (DIS3 like 3'-5' exoribonuclease 2; plus strand). Cytogenetic location: 2q37.1.
Variant type: single nucleotide variant.
Coding change: c.305G>A on transcript NM_152383.5 (MANE Select); coding-DNA position 305, G replaced by A.
Protein change: p.Arg102His; replaces arginine 102 with histidine.
Molecular consequence: missense variant. On other transcripts: non-coding transcript variant (2).
Genome position (GRCh38, 1-based): chr2:232,030,019, G>A. VCF-style: chr2-232030019-G-A. GRCh37 (hg19) VCF-style: chr2-232894729-G-A.
Other names: c.305G>A, p.Arg102His (NM_001257281.2, NM_001257282.2); short protein forms R102H.
Identifiers: ClinVar variation 582897 (VCV000582897.8), dbSNP rs372013568, ClinGen allele CA2163791.

ClinVar aggregate classification (germline): Uncertain significance (1 of 4 stars; one submission).

Conditions:
Perlman syndrome (PRLMNS). Identifiers: Orphanet 2849, MedGen C0796113, MONDO:0009965, OMIM 267000.

gnomAD v4.1: 7 of 1,608,962 alleles (0.00044%); highest among the groups gnomAD compares: African/African-American, 0.0013%; no homozygotes.

Submission:

Labcorp Genetics (formerly Invitae), Labcorp
Classification: Uncertain significance for Perlman syndrome. Last evaluated: 2024-06-11. Review status: criteria provided, single submitter. Criteria: Invitae Variant Classification Sherloc (09022015). Collection method: clinical testing. Allele origin: germline.
Comment: This sequence change replaces arginine, which is basic and polar, with histidine, which is basic and polar, at codon 102 of the DIS3L2 protein (p.Arg102His). This variant is present in population databases (rs372013568, gnomAD 0.002%). This variant has not been reported in the literature in individuals affected with DIS3L2-related conditions. ClinVar contains an entry for this variant (Variation ID: 582897). Advanced modeling of protein sequence and biophysical properties (such as structural, functional, and spatial information, amino acid conservation, physicochemical variation, residue mobility, and thermodynamic stability) performed at Invitae indicates that this missense variant is expected to disrupt DIS3L2 protein function with a positive predictive value of 80%. In summary, the available evidence is currently insufficient to determine the role of this variant in disease. Therefore, it has been classified as a Variant of Uncertain Significance.